The following is an entry in ClinVar:

ClinVar aggregate classification (germline): Likely benign (0 of 4 stars; one submission).

Conditions:
ABCC2-related disorder. Also called: ABCC2-related condition.

Allele frequency attached by ClinVar (database versions not stated): gnomAD 0.00001; gnomAD exomes 0.00001.
gnomAD v4.1: 17 of 1,611,856 alleles (0.0011%); highest among the groups gnomAD compares: Non-Finnish European, 0.0014%; no homozygotes.

Submission:

PreventionGenetics, part of Exact Sciences
Classification: Likely benign for ABCC2-related condition. Last evaluated: 2022-10-31. Review status: no assertion criteria provided. Collection method: clinical testing. Allele origin: germline.
Comment: This variant is classified as likely benign based on ACMG/AMP sequence variant interpretation guidelines (Richards et al. 2015 PMID: 25741868, with internal and published modifications).

NM_000392.5(ABCC2):c.469-3T>C

Gene: ABCC2 (ATP binding cassette subfamily C member 2; plus strand). Cytogenetic location: 10q24.2.
Variant type: single nucleotide variant.
Coding change: c.469-3T>C on transcript NM_000392.5 (MANE Select); 3 bases into the intron before coding-DNA position 469, T replaced by C.
Molecular consequence: intron variant.
Genome position (GRCh38, 1-based): chr10:99,793,889, T>C. VCF-style: chr10-99793889-T-C. GRCh37 (hg19) VCF-style: chr10-101553646-T-C.
Identifiers: ClinVar variation 3061527 (VCV003061527.2), dbSNP rs2037850942, ClinGen allele CA931729641.